The following is an entry in ClinVar:

NM_001042492.3(NF1):c.5657T>A (p.Leu1886Ter)

Gene: NF1 (neurofibromin 1; plus strand). Cytogenetic location: 17q11.2.
Variant type: single nucleotide variant.
Coding change: c.5657T>A on transcript NM_001042492.3 (MANE Select); coding-DNA position 5657, T replaced by A.
Protein change: p.Leu1886Ter; replaces leucine 1886 with a stop codon.
Molecular consequence: nonsense.
Genome position (GRCh38, 1-based): chr17:31,330,343, T>A. VCF-style: chr17-31330343-T-A. GRCh37 (hg19) VCF-style: chr17-29657361-T-A.
Other names: c.5594T>A, p.Leu1865Ter (NM_000267.4); short protein forms L1865*, L1886*.
Identifiers: ClinVar variation 504446 (VCV000504446.6), dbSNP rs1555533853, ClinGen allele CA399010189.

ClinVar aggregate classification (germline): Pathogenic. Review status: criteria provided, multiple submitters, no conflicts (2 of 4 stars). 2 submissions from 2 submitters: Pathogenic (2). Last evaluated 2021-12-26.

Conditions:
Neurofibromatosis, type 1 (NF1). Also called: Peripheral type neurofibromatosis; VON RECKLINGHAUSEN DISEASE; NEUROFIBROMATOSIS, TYPE I, SOMATIC; Neurofibromatosis, type I. Identifiers: Orphanet 636, MedGen C0027831, MONDO:0018975, OMIM 162200. Disease mechanism: loss of function.

Submissions (2):

Labcorp Genetics (formerly Invitae), Labcorp
Classification: Pathogenic for Neurofibromatosis, type 1. Last evaluated: 2021-12-26. Review status: criteria provided, single submitter. Criteria: Invitae Variant Classification Sherloc (09022015). Collection method: clinical testing. Allele origin: germline.
Comment: For these reasons, this variant has been classified as Pathogenic. ClinVar contains an entry for this variant (Variation ID: 504446). This premature translational stop signal has been observed in individual(s) with neurofibromatosis type 1 (NF1) (PMID: 26056819). This variant is not present in population databases (gnomAD no frequency). This sequence change creates a premature translational stop signal (p.Leu1865*) in the NF1 gene. It is expected to result in an absent or disrupted protein product. Loss-of-function variants in NF1 are known to be pathogenic (PMID: 10712197, 23913538).

GeneDx
Classification: Pathogenic. Last evaluated: 2018-03-02. Review status: criteria provided, single submitter. Criteria: GeneDx Variant Classification (06012015). Collection method: clinical testing. Allele origin: germline. Affected: yes.
Comment: The L1865X variant in the NF1 gene has not been published as a pathogenic variant, nor has it been reported as a benign variant to our knowledge. This variant is predicted to cause loss of normal protein function either through protein truncation or nonsense-mediated mRNA decay. The L1865X variant is not observed in large population cohorts. Based on currently available evidence, we consider this to be a pathogenic variant.

Literature cited by the submitters: PubMed 26056819 (cited by Labcorp Genetics (formerly Invitae), Labcorp); PubMed 10712197 (cited by Labcorp Genetics (formerly Invitae), Labcorp); PubMed 23913538 (cited by Labcorp Genetics (formerly Invitae), Labcorp).